The following is an entry in ClinVar:

NM_206933.4(USH2A):c.5410A>G (p.Ile1804Val)

Genes: USH2A (usherin; minus strand), USH2A-AS2 (USH2A antisense RNA 2; plus strand). Cytogenetic location: 1q41.
Variant type: single nucleotide variant.
Coding change: c.5410A>G on transcript NM_206933.4 (MANE Select); coding-DNA position 5410, A replaced by G.
Protein change: p.Ile1804Val; replaces isoleucine 1804 with valine.
Molecular consequence: missense variant.
Genome position (GRCh38, 1-based): chr1:216,078,251, T>C on the plus strand (A>G on the coding strand, the complement: USH2A is on the minus strand). VCF-style: chr1-216078251-T-C. GRCh37 (hg19) VCF-style: chr1-216251593-T-C.
Other names: c.5410A>G (NM_206933.2); short protein forms I1804V.
Identifiers: ClinVar variation 286089 (VCV000286089.12), dbSNP rs201804063, ClinGen allele CA1395457.

ClinVar aggregate classification (germline): Uncertain significance. Review status: criteria provided, multiple submitters, no conflicts (2 of 4 stars). 8 submissions from 7 submitters: Uncertain significance (8). Last evaluated 2024-11-17.

Conditions:
Inborn genetic diseases. Identifiers: MedGen C0950123, MeSH D030342.
USH2A-related disorder. Also called: USH2A-related disorders; USH2A-related condition. Identifiers: MedGen CN239332.
Retinitis pigmentosa 39 (RP39). Identifiers: Orphanet 791, MedGen C3151138, MONDO:0013436, OMIM 613809.
Usher syndrome type 2A. Also called: RETINAL DISEASE IN USHER SYNDROME TYPE IIA, MODIFIER OF; USHER SYNDROME, TYPE IIA. Identifiers: Orphanet 231178, Orphanet 886, MedGen C1848634, MONDO:0010169, OMIM 276901.

Allele frequency attached by ClinVar (database versions not stated): ExAC 0.00003; gnomAD exomes 0.00003 and 0.00011; gnomAD 0.00004 and 0.00005; TOPMed 0.00007; ESP Exome Variant Server 0.00008.
gnomAD v4.1: 171 of 1,613,910 alleles (0.011%); highest among the groups gnomAD compares: Non-Finnish European, 0.014%; no homozygotes.

Submissions (8):

PreventionGenetics, part of Exact Sciences
Classification: Uncertain significance for USH2A-related condition. Last evaluated: 2024-11-17. Review status: criteria provided, single submitter. Criteria: ACMG Guidelines, 2015. Collection method: clinical testing. Allele origin: germline.
Comment: The USH2A c.5410A>G variant is predicted to result in the amino acid substitution p.Ile1804Val. To our knowledge, this variant has not been reported in the literature. This variant is present in 0.0078% of alleles in individuals of European (Non-Finnish) descent in gnomAD. At this time, the clinical significance of this variant is uncertain due to the absence of conclusive functional and genetic evidence.

Blueprint Genetics
Classification: Uncertain significance. Last evaluated: 2024-10-09. Review status: criteria provided, single submitter. Criteria: ACMG Guidelines, 2015. Collection method: clinical testing. Allele origin: germline.

Labcorp Genetics (formerly Invitae), Labcorp
Classification: Uncertain significance. Last evaluated: 2024-04-11. Review status: criteria provided, single submitter. Criteria: Invitae Variant Classification Sherloc (09022015). Collection method: clinical testing. Allele origin: germline.
Comment: This sequence change replaces isoleucine, which is neutral and non-polar, with valine, which is neutral and non-polar, at codon 1804 of the USH2A protein (p.Ile1804Val). This variant is present in population databases (rs201804063, gnomAD 0.008%). This variant has not been reported in the literature in individuals affected with USH2A-related conditions. ClinVar contains an entry for this variant (Variation ID: 286089). Advanced modeling of protein sequence and biophysical properties (such as structural, functional, and spatial information, amino acid conservation, physicochemical variation, residue mobility, and thermodynamic stability) performed at Invitae indicates that this missense variant is not expected to disrupt USH2A protein function with a negative predictive value of 95%. In summary, the available evidence is currently insufficient to determine the role of this variant in disease. Therefore, it has been classified as a Variant of Uncertain Significance.

Genome-Nilou Lab
Classification: Uncertain significance for Retinitis pigmentosa 39. Last evaluated: 2023-11-04. Review status: criteria provided, single submitter. Criteria: ACMG Guidelines, 2015. Collection method: clinical testing. Allele origin: germline. Affected: no.

Genome-Nilou Lab
Classification: Uncertain significance for Usher syndrome type 2A. Last evaluated: 2023-11-04. Review status: criteria provided, single submitter. Criteria: ACMG Guidelines, 2015. Collection method: clinical testing. Allele origin: germline. Affected: no.

Fulgent Genetics
Classification: Uncertain significance for Usher syndrome type 2A; Retinitis pigmentosa 39. Last evaluated: 2022-01-03. Review status: criteria provided, single submitter. Criteria: ACMG Guidelines, 2015. Collection method: clinical testing. Allele origin: unknown.

Ambry Genetics
Classification: Uncertain significance for Inborn genetic diseases. Last evaluated: 2021-06-18. Review status: criteria provided, single submitter. Criteria: Ambry Variant Classification Scheme 2023. Collection method: clinical testing. Allele origin: germline.

Eurofins Ntd Llc (ga)
Classification: Uncertain significance. Last evaluated: 2016-02-11. Review status: criteria provided, single submitter. Criteria: EGL Classification Definitions 2015. Collection method: clinical testing. Allele origin: germline. Observed: 1 variant allele, 1 heterozygote.